The following is an entry in ClinVar:

ClinVar aggregate classification (germline): Conflicting classifications of pathogenicity. Review status: criteria provided, conflicting classifications (1 of 4 stars). 9 submissions from 9 submitters: Uncertain significance (4); Benign (1); Likely benign (4). Last evaluated 2026-07-01.

Conditions:
Cardiovascular phenotype. Identifiers: MedGen CN230736.
Long QT syndrome (LQTS). Identifiers: MedGen C0023976, MeSH D008133, MONDO:0002442. Disease mechanism: loss of function. Inheritance: Various modes of inheritance.
Conduction disorder of the heart. Also called: Cardiac conduction defect. Identifiers: Orphanet 871, MedGen C0264886, MONDO:0100042, OMIM 115080.

Allele frequency attached by ClinVar (database versions not stated): ESP Exome Variant Server 0.00015; 1000 Genomes Project 30x 0.00016; gnomAD 0.00017 and 0.00014; gnomAD exomes 0.00018; ExAC 0.00019; 1000 Genomes Project 0.00020; TOPMed 0.00027.
gnomAD v4.1: 206 of 1,614,106 alleles (0.013%); highest among the groups gnomAD compares: Middle Eastern, 0.083%; no homozygotes.

Submissions (9):

CeGaT Center for Human Genetics Tuebingen
Classification: Likely benign. Last evaluated: 2026-07-01. Review status: criteria provided, single submitter. Criteria: CeGaT Center For Human Genetics Tuebingen Variant Classification Criteria Version 2. Collection method: clinical testing. Allele origin: germline. Affected: yes. Observed: 1 variant allele.
Comment: ANK2: BP4, BS2

Labcorp Genetics (formerly Invitae), Labcorp
Classification: Benign for Long QT syndrome. Last evaluated: 2025-12-22. Review status: criteria provided, single submitter. Criteria: Invitae Variant Classification Sherloc (09022015). Collection method: clinical testing. Allele origin: germline.

GeneDx
Classification: Uncertain significance. Last evaluated: 2025-03-25. Review status: criteria provided, single submitter. Criteria: GeneDx Variant Classification Process June 2021. Collection method: clinical testing. Allele origin: germline. Affected: yes.
Comment: Observed in patients with LQTS and SCD in the published literature (PMID: 24981977, 28255936, 33919104); In silico analysis indicates that this missense variant does not alter protein structure/function; Located in exon 38, which is reported as being expressed in a brain-specific transcript (PMID: 1830053, 18790697, 18790697); This variant is associated with the following publications: (PMID: 28988457, 28255936, 1830053, 18790697, 26109584, 24981977, 33919104, 26220970)

Blueprint Genetics
Classification: Likely benign. Last evaluated: 2024-09-03. Review status: criteria provided, single submitter. Criteria: ACMG Guidelines, 2015. Collection method: clinical testing. Allele origin: germline.

Ambry Genetics
Classification: Likely benign for Cardiovascular phenotype. Last evaluated: 2022-06-08. Review status: criteria provided, single submitter. Criteria: Ambry Variant Classification Scheme 2023. Collection method: clinical testing. Allele origin: germline.

Women's Health and Genetics/Laboratory Corporation of America, LabCorp
Classification: Likely benign. Last evaluated: 2020-10-26. Review status: criteria provided, single submitter. Criteria: LabCorp Variant Classification Summary - May 2015. Collection method: clinical testing. Allele origin: germline.
Comment: Variant summary: ANK2 c.7183A>C (p.Thr2395Pro) results in a non-conservative amino acid change in the encoded protein sequence. Three of five in-silico tools predict a benign effect of the variant on protein function. The variant allele was found at a frequency of 0.00018 in 250596 control chromosomes, predominantly at a frequency of 0.00046 within the Latino subpopulation in the gnomAD database. The observed variant frequency within Latino control individuals in the gnomAD database is approximately 69 fold of the estimated maximal expected allele frequency for a pathogenic variant in ANK2 causing Long QT Syndrome phenotype (6.7e-06), strongly suggesting that the variant is a benign polymorphism found primarily in populations of Latino origin. c.7183A>C has been reported in the literature in individuals affected with Long QT Syndrome, hypertrophic cardiomyopathy and adult-onset sudden cardiac death (Lopes_2013, Brion_2014, Campuzano_2017). These reports do not provide unequivocal conclusions about association of the variant with Long QT Syndrome. One co-occurrence with another pathogenic variant has been internally reported (SCN5A c.5443_5446delTCTG, p.Ser1815ThrfsX18), providing supporting evidence for a benign role. To our knowledge, no experimental evidence demonstrating an impact on protein function has been reported. Three ClinVar submitters (evaluation after 2014) cite the variant as uncertain significance (3x). Based on the evidence outlined above, the variant was classified as likely benign.

Molecular Diagnostic Laboratory for Inherited Cardiovascular Disease, Montreal Heart Institute
Classification: Uncertain significance for Conduction disorder of the heart. Last evaluated: 2019-06-20. Review status: criteria provided, single submitter. Criteria: ACMG Guidelines, 2015. Collection method: clinical testing. Allele origin: germline. Affected: yes.

Revvity Omics, Revvity
Classification: Uncertain significance. Last evaluated: 2019-03-11. Review status: criteria provided, single submitter. Criteria: ACMG Guidelines, 2015. Collection method: clinical testing. Allele origin: germline.

Stanford Center for Inherited Cardiovascular Disease, Stanford University
Classification: Uncertain significance. Last evaluated: 2017-03-17. Review status: criteria provided, single submitter. Criteria: ACMG Guidelines, 2015. Collection method: provider interpretation. Allele origin: germline.

Literature cited by the submitters: PubMed 24981977 (cited by Ambry Genetics and Women's Health and Genetics/Laboratory Corporation of America, LabCorp); PubMed 25351510 (cited by Ambry Genetics); PubMed 26220970 (cited by Ambry Genetics); PubMed 28255936 (cited by Ambry Genetics and Women's Health and Genetics/Laboratory Corporation of America, LabCorp); PubMed 28988457 (cited by Ambry Genetics and Women's Health and Genetics/Laboratory Corporation of America, LabCorp); PubMed 33919104 (cited by Ambry Genetics); PubMed 23396983 (cited by Women's Health and Genetics/Laboratory Corporation of America, LabCorp).

NM_001148.6(ANK2):c.7183A>C (p.Thr2395Pro)

Genes: ANK2 (ankyrin 2; plus strand), LOC126807137 (CDK7 strongly-dependent group 2 enhancer GRCh37_chr4:114276560-114277759; plus strand). Cytogenetic location: 4q26.
Variant type: single nucleotide variant.
Coding change: c.7183A>C on transcript NM_001148.6 (MANE Select); coding-DNA position 7183, A replaced by C.
Protein change: p.Thr2395Pro; replaces threonine 2395 with proline.
Molecular consequence: missense variant. On other transcripts: intron variant (68).
Genome position (GRCh38, 1-based): chr4:113,355,801, A>C. VCF-style: chr4-113355801-A-C. GRCh37 (hg19) VCF-style: chr4-114276957-A-C.
Other names: c.6949A>C, p.Thr2317Pro (NM_001386142.1); c.3583A>C, p.Thr1195Pro (NM_001386166.1); c.7324A>C, p.Thr2442Pro (NM_001386174.1); c.7300A>C, p.Thr2434Pro (NM_001386175.1); c.4412-5022A>C (NM_001386186.2, NM_001386148.2); c.4214-5022A>C (NM_001354269.3); c.4292-5022A>C (NM_001386187.2); c.4253-5022A>C (NM_001386147.1); and 35 more; short protein forms T2395P, T1195P, T2317P, T2434P, T2442P.
Identifiers: ClinVar variation 457049 (VCV000457049.23), dbSNP rs201693280, ClinGen allele CA3051552.